The following is an entry in ClinVar:

ClinVar aggregate classification (germline): Pathogenic. Review status: criteria provided, single submitter (1 of 4 stars). 2 submissions from 2 submitters: Pathogenic (1). 1 of the submissions does not count toward it. Last evaluated 2025-07-29.

Conditions:
Hereditary spastic paraplegia 4. Also called: Spastic paraplegia 4, autosomal dominant; Familial spastic paraplegia autosomal dominant 2; Spastic Paraplegia 4. Identifiers: Orphanet 100985, MedGen C1866855, MONDO:0008438, OMIM 182601.

Submissions (2):

Labcorp Genetics (formerly Invitae), Labcorp
Classification: Pathogenic for Hereditary spastic paraplegia 4. Last evaluated: 2025-07-29. Review status: criteria provided, single submitter. Criteria: Invitae Variant Classification Sherloc (09022015). Collection method: clinical testing. Allele origin: germline.
Comment: This sequence change replaces aspartic acid, which is acidic and polar, with valine, which is neutral and non-polar, at codon 470 of the SPAST protein (p.Asp470Val). This variant is not present in population databases (gnomAD no frequency). This missense change has been observed in individual(s) with hereditary spastic paraplegia (PMID: 15248095). It has also been observed to segregate with disease in related individuals. ClinVar contains an entry for this variant (Variation ID: 5670). Invitae Evidence Modeling of protein sequence and biophysical properties (such as structural, functional, and spatial information, amino acid conservation, physicochemical variation, residue mobility, and thermodynamic stability) indicates that this missense variant is expected to disrupt SPAST protein function with a positive predictive value of 80%. For these reasons, this variant has been classified as Pathogenic.

OMIM
Classification: Pathogenic for SPASTIC PARAPLEGIA 4. Last evaluated: 2004-09-01. Review status: no assertion criteria provided. Collection method: literature only. Allele origin: germline. Not counted in ClinVar's aggregate classification.

Literature cited by the submitters: PubMed 15248095 (cited by Labcorp Genetics (formerly Invitae), Labcorp and OMIM).

NM_014946.4(SPAST):c.1409A>T (p.Asp470Val)

Gene: SPAST (spastin; plus strand). Cytogenetic location: 2p22.3.
Variant type: single nucleotide variant.
Coding change: c.1409A>T on transcript NM_014946.4 (MANE Select); coding-DNA position 1409, A replaced by T.
Protein change: p.Asp470Val; replaces aspartic acid 470 with valine.
Molecular consequence: missense variant.
Genome position (GRCh38, 1-based): chr2:32,136,964, A>T. VCF-style: chr2-32136964-A-T. GRCh37 (hg19) VCF-style: chr2-32362033-A-T.
Other names: c.1406A>T, p.Asp469Val (NM_001363823.2); c.1310A>T, p.Asp437Val (NM_001363875.2); c.1313A>T, p.Asp438Val (NM_001377959.1, NM_199436.2); short protein forms D470V, D437V, D438V, D469V.
Identifiers: ClinVar variation 5670 (VCV000005670.4), dbSNP rs121908516, ClinGen allele CA253564.
Genomic context (GRCh38, chr2:32,136,964, plus strand): 5'-GAAGAGAAGGGGAGCACGATGCTAGTAGACGCCTAAAAACTGAATTTCTAATAGAATTTG[A>T]TGGTGTAAGTGTTGATTATGATATTTTTAATGTGGCAGCATTTTAGTATATTTTCCTATT-3'
Protein context (NP_055761.2, residues 460-480): RLKTEFLIEF[Asp470Val]GVQSAGDDRV